The following is an entry in ClinVar:

ClinVar aggregate classification (germline): Likely benign. Review status: criteria provided, multiple submitters, no conflicts (2 of 4 stars). 2 submissions from 2 submitters: Likely benign (2). Last evaluated 2025-03-17.

Conditions:
PRPF8-related disorder. Also called: PRPF8-related condition.

Allele frequency attached by ClinVar (database versions not stated): TOPMed below 0.00001; gnomAD exomes 0.00001.
gnomAD v4.1: 7 of 1,614,158 alleles (0.00043%); highest among the groups gnomAD compares: Non-Finnish European, 0.00059%; no homozygotes.

Submissions (2):

PreventionGenetics, part of Exact Sciences
Classification: Likely benign for PRPF8-related condition. Last evaluated: 2025-03-17. Review status: criteria provided, single submitter. Criteria: ACMG Guidelines, 2015. Collection method: clinical testing. Allele origin: germline.
Comment: This variant is classified as likely benign based on ACMG/AMP sequence variant interpretation guidelines (Richards et al. 2015 PMID: 25741868, with internal and published modifications).

Labcorp Genetics (formerly Invitae), Labcorp
Classification: Likely benign. Last evaluated: 2022-08-22. Review status: criteria provided, single submitter. Criteria: Invitae Variant Classification Sherloc (09022015). Collection method: clinical testing. Allele origin: germline.

NM_006445.4(PRPF8):c.1185A>G (p.Thr395=)

Gene: PRPF8 (pre-mRNA processing factor 8; minus strand). Cytogenetic location: 17p13.3.
Variant type: single nucleotide variant.
Coding change: c.1185A>G on transcript NM_006445.4 (MANE Select); coding-DNA position 1185, A replaced by G.
Protein change: p.Thr395=; no amino-acid change (threonine 395 retained).
Molecular consequence: synonymous variant.
Genome position (GRCh38, 1-based): chr17:1,679,713, T>C on the plus strand (A>G on the coding strand, the complement: PRPF8 is on the minus strand). VCF-style: chr17-1679713-T-C. GRCh37 (hg19) VCF-style: chr17-1583007-T-C.
Other names: c.1185A>G (NM_006445.3).
Identifiers: ClinVar variation 1542518 (VCV001542518.9), dbSNP rs1912804464, ClinGen allele CA497289197.
Genomic context (GRCh38, chr17:1,679,713, plus strand): 5'-AGAGCGTAGGTTGAAGGGCCGCGGGGCCCAGAGCAGGGCAATGCCATTGGCTGTATTGTC[T>C]GTATAGAGGGGTGTGTCCTTCAGGAAGGGCTCCACAAACTCCGGGAGCTCAAATTCCTCA-3'
Protein context (NP_006436.3, residues 385-405): EPFLKDTPLY[Thr395=]DNTANGIALL